The following is an entry in ClinVar:

ClinVar aggregate classification (germline): Uncertain significance (1 of 4 stars; one submission).

Conditions:
CHRNA4-related disorder. Also called: CHRNA4-related condition.

gnomAD v4.1: 3 of 1,586,434 alleles (0.00019%); highest among the groups gnomAD compares: African/African-American, 0.0014%; no homozygotes.

Submission:

PreventionGenetics, part of Exact Sciences
Classification: Uncertain significance for CHRNA4-related condition. Last evaluated: 2025-02-27. Review status: criteria provided, single submitter. Criteria: ACMG Guidelines, 2015. Collection method: clinical testing. Allele origin: germline.
Comment: The CHRNA4 c.274-9C>G variant is predicted to interfere with splicing. This variant may alter splicing based on an in silico prediction algorithm (SpliceAI, Jaganathan K, et al. 2019. PubMed ID: 30661751). To our knowledge, this variant has not been reported in the literature or in a large population database (gnomAD), indicating it is rare. At this time, the clinical significance of this variant is uncertain due to the absence of conclusive functional and genetic evidence.

NM_000744.7(CHRNA4):c.274-9C>G

Genes: CHRNA4 (cholinergic receptor nicotinic alpha 4 subunit; minus strand), LOC126863087 (P300/CBP strongly-dependent group 1 enhancer GRCh37_chr20:61986832-61988031; plus strand). Cytogenetic location: 20q13.33.
Variant type: single nucleotide variant.
Coding change: c.274-9C>G on transcript NM_000744.7 (MANE Select); 9 bases into the intron before coding-DNA position 274, C replaced by G.
Molecular consequence: intron variant. On other transcripts: non-coding transcript variant (1).
Genome position (GRCh38, 1-based): chr20:63,356,093, G>C on the plus strand (C>G on the coding strand, the complement: CHRNA4 is on the minus strand). VCF-style: chr20-63356093-G-C. GRCh37 (hg19) VCF-style: chr20-61987445-G-C.
Other names: c.-273-9C>G (NM_001256573.2).
Identifiers: ClinVar variation 5000795 (VCV005000795.1).
Genomic context (GRCh38, chr20:63,356,093, plus strand): 5'-TGACATTCTCATAGTCAGCTGGGTCCCAGCGCAGCTTGTAGTCGTGCCACTCCTGGATGA[G>C]GTGGGGCGGGGGGAGGCTGCAGGGTGAGGGGTGTGGGGGAGGGCAGGGGCGGGACAGGGC-3'